The following is an entry in ClinVar:

ClinVar aggregate classification (germline): Uncertain significance. Review status: criteria provided, multiple submitters, no conflicts (2 of 4 stars). 4 submissions from 4 submitters: Uncertain significance (4). Last evaluated 2025-12-24.

Conditions:
Hereditary cancer-predisposing syndrome. Also called: Neoplastic Syndromes, Hereditary; Tumor predisposition; Hereditary Cancer Syndrome; Hereditary neoplastic syndrome. Identifiers: Orphanet 140162, MedGen C0027672, MeSH D009386, MONDO:0015356.
Retinoblastoma (RB1). Also called: RETINOBLASTOMA, SOMATIC. Identifiers: Orphanet 790, MedGen C0035335, MeSH D012175, MONDO:0008380, OMIM 180200, HP:0009919. Disease mechanism: loss of function. Inheritance: Both sporadic and heritable forms are tested..

Allele frequency attached by ClinVar (database versions not stated): gnomAD exomes below 0.00001.
gnomAD v4.1: 6 of 1,613,222 alleles (0.00037%); highest among the groups gnomAD compares: Non-Finnish European, 0.00051%; no homozygotes.

Submissions (4):

Labcorp Genetics (formerly Invitae), Labcorp
Classification: Uncertain significance for Retinoblastoma. Last evaluated: 2025-12-24. Review status: criteria provided, single submitter. Criteria: Invitae Variant Classification Sherloc (09022015). Collection method: clinical testing. Allele origin: germline.
Comment: This sequence change replaces serine, which is neutral and polar, with phenylalanine, which is neutral and non-polar, at codon 588 of the RB1 protein (p.Ser588Phe). This variant is not present in population databases (gnomAD no frequency). This variant has not been reported in the literature in individuals affected with RB1-related conditions. ClinVar contains an entry for this variant (Variation ID: 458136). Invitae Evidence Modeling of protein sequence and biophysical properties (such as structural, functional, and spatial information, amino acid conservation, physicochemical variation, residue mobility, and thermodynamic stability) indicates that this missense variant is not expected to disrupt RB1 protein function with a negative predictive value of 80%. Experimental studies have shown that this missense change affects RB1 function (PMID: 39938803). In summary, the available evidence is currently insufficient to determine the role of this variant in disease. Therefore, it has been classified as a Variant of Uncertain Significance.

Ambry Genetics
Classification: Uncertain significance for Hereditary cancer-predisposing syndrome. Last evaluated: 2024-08-19. Review status: criteria provided, single submitter. Criteria: Ambry Variant Classification Scheme 2023. Collection method: clinical testing. Allele origin: germline.

All of Us Research Program, National Institutes of Health
Classification: Uncertain significance for Retinoblastoma. Last evaluated: 2024-03-24. Review status: criteria provided, single submitter. Criteria: ACMG Guidelines, 2015. Collection method: clinical testing. Allele origin: germline. Inheritance: Autosomal dominant inheritance. Observed: 4 variant alleles, 4 heterozygotes.
Comment: This missense variant replaces serine with phenylalanine at codon 588 of the RB1 protein. Computational prediction suggests that this variant may not impact protein structure and function (internally defined REVEL score threshold <= 0.5, PMID: 27666373). To our knowledge, functional studies have not been reported for this variant. This variant has not been reported in individuals affected with RB1-related disorders in the literature. This variant has not been identified in the general population by the Genome Aggregation Database (gnomAD). The available evidence is insufficient to determine the role of this variant in disease conclusively. Therefore, this variant is classified as a Variant of Uncertain Significance.

This study involves interpretation of variants in research participants for the purpose of population health screening. Participant phenotype was not available at the time of variant classification. Additional details can be found in publication PMID: 35346344, PMCID: PMC8962531

GeneDx
Classification: Uncertain significance. Last evaluated: 2023-05-05. Review status: criteria provided, single submitter. Criteria: GeneDx Variant Classification Process June 2021. Collection method: clinical testing. Allele origin: germline. Affected: yes.
Comment: Not observed at significant frequency in large population cohorts (gnomAD); In silico analysis supports that this missense variant does not alter protein structure/function; Has not been previously published as pathogenic or benign to our knowledge; This variant is associated with the following publications: (PMID: 23516486, Day alan_2006_Review)

Literature cited by the submitters: PubMed 39938803 (cited by Labcorp Genetics (formerly Invitae), Labcorp).

NM_000321.3(RB1):c.1763C>T (p.Ser588Phe)

Gene: RB1 (RB transcriptional corepressor 1; plus strand). Cytogenetic location: 13q14.2.
Variant type: single nucleotide variant.
Coding change: c.1763C>T on transcript NM_000321.3 (MANE Select); coding-DNA position 1763, C replaced by T.
Protein change: p.Ser588Phe; replaces serine 588 with phenylalanine.
Molecular consequence: missense variant.
Genome position (GRCh38, 1-based): chr13:48,453,060, C>T. VCF-style: chr13-48453060-C-T. GRCh37 (hg19) VCF-style: chr13-49027196-C-T.
Other names: short protein forms S588F.
Identifiers: ClinVar variation 458136 (VCV000458136.18), dbSNP rs1555293637, ClinGen allele CA388165566.
Genomic context (GRCh38, chr13:48,453,060, plus strand): 5'-CTTTATTTGATCTTATTAAACAATCAAAGGACCGAGAAGGACCAACTGATCACCTTGAAT[C>T]TGCTTGTCCTCTTAATCTTCCTCTCCAGAATAATCACACTGCAGCAGATATGTAAGCAAA-3'
Protein context (NP_000312.2, residues 578-598): DREGPTDHLE[Ser588Phe]ACPLNLPLQN